The following is an entry in ClinVar:

ClinVar aggregate classification (germline): Uncertain significance (1 of 4 stars; one submission).

Conditions:
Severe combined immunodeficiency due to DNA-PKcs deficiency. Also called: IMMUNODEFICIENCY 26 WITH NEUROLOGIC ABNORMALITIES; Immunodeficiency 26 with or without neurologic abnormalities. Identifiers: Orphanet 317425, MedGen C4014833, MONDO:0014423, OMIM 615966.

Submission:

Labcorp Genetics (formerly Invitae), Labcorp
Classification: Uncertain significance for Severe combined immunodeficiency due to DNA-PKcs deficiency. Last evaluated: 2022-05-21. Review status: criteria provided, single submitter. Criteria: Invitae Variant Classification Sherloc (09022015). Collection method: clinical testing. Allele origin: germline.
Comment: A gross deletion of the genomic region encompassing the full coding sequence of the PRKDC gene has been identified. The current clinical and genetic evidence is not sufficient to establish whether loss-of-function variants in PRKDC cause disease. The boundaries of this event are unknown as they extend beyond the assayed region for this gene and therefore may encompass additional genes. In summary, the available evidence is currently insufficient to determine the role of this variant in disease. Therefore, it has been classified as a Variant of Uncertain Significance. This variant has not been reported in the literature in individuals affected with PRKDC-related conditions.

NC_000008.10:g.(?_48686734)_(48872686_?)del

Gene: PRKDC (protein kinase, DNA-activated, catalytic subunit; minus strand). Cytogenetic location: 8q11.21.
Variant type: Deletion.
Identifiers: ClinVar variation 2425653 (VCV002425653.4).